The following is an entry in ClinVar:

ClinVar aggregate classification (germline): Pathogenic/Likely pathogenic. Review status: criteria provided, multiple submitters, no conflicts (2 of 4 stars). 2 submissions from 2 submitters: Pathogenic (1); Likely pathogenic (1). Last evaluated 2025-07-14.

Conditions:
Smith-Lemli-Opitz syndrome (SLOS). Also called: LETHAL ACRODYSGENITAL SYNDROME; POLYDACTYLY, SEX REVERSAL, RENAL HYPOPLASIA, AND UNILOBAR LUNG; RSH SYNDROME; RUTLEDGE LETHAL MULTIPLE CONGENITAL ANOMALY SYNDROME; 7-Dehydrocholesterol reductase deficiency. Identifiers: Orphanet 818, MedGen C0175694, MONDO:0010035, OMIM 270400.

Submissions (2):

Labcorp Genetics (formerly Invitae), Labcorp
Classification: Pathogenic for Smith-Lemli-Opitz syndrome. Last evaluated: 2025-07-14. Review status: criteria provided, single submitter. Criteria: Invitae Variant Classification Sherloc (09022015). Collection method: clinical testing. Allele origin: germline.
Comment: This sequence change replaces tryptophan, which is neutral and slightly polar, with cysteine, which is neutral and slightly polar, at codon 182 of the DHCR7 protein (p.Trp182Cys). This variant is not present in population databases (gnomAD no frequency). This missense change has been observed in individual(s) with clinical features of Smith–Lemli–Opitz syndrome and/or Smith-Lemli-Opitz syndrome (internal data). In at least one individual the data is consistent with being in trans (on the opposite chromosome) from a pathogenic variant. ClinVar contains an entry for this variant (Variation ID: 2034234). Invitae Evidence Modeling of protein sequence and biophysical properties (such as structural, functional, and spatial information, amino acid conservation, physicochemical variation, residue mobility, and thermodynamic stability) indicates that this missense variant is expected to disrupt DHCR7 protein function with a positive predictive value of 95%. Studies have shown that this missense change alters DHCR7 gene expression (PMID: 10677299). This variant disrupts the p.Trp182 amino acid residue in DHCR7. Other variant(s) that disrupt this residue have been determined to be pathogenic (PMID: 11427181, 15776424, 15979035). This suggests that this residue is clinically significant, and that variants that disrupt this residue are likely to be disease-causing. For these reasons, this variant has been classified as Pathogenic.

Dasa
Classification: Likely pathogenic. Last evaluated: 2024-11-05. Review status: criteria provided, single submitter. Criteria: DASA Assertion Criteria. Collection method: clinical testing. Allele origin: germline.
Comment: NM_001360.3(DHCR7):c.546G>T (p.Trp182Cys) is a missense variant that results in the substitution of tryptophan with cysteine. This variant results in the same amino acid change as a previously established pathogenic variant. This variant has been observed in affected individuals with related phenotype in a genotype context consistent with recessive disease (PMID: 10677299). Functional evidence supports a deleterious effect on the gene or gene product (PMID: 10677299). This variant has been reported in individuals with related phenotype (PMID: 10677299). The variant is present at low frequency in population datasets. Based on the available data, this variant is classified as likely pathogenic.

Literature cited by the submitters: PubMed 10677299 (cited by Labcorp Genetics (formerly Invitae), Labcorp and Dasa); PubMed 11427181 (cited by Labcorp Genetics (formerly Invitae), Labcorp); PubMed 15776424 (cited by Labcorp Genetics (formerly Invitae), Labcorp); PubMed 15979035 (cited by Labcorp Genetics (formerly Invitae), Labcorp).

NM_001360.3(DHCR7):c.546G>T (p.Trp182Cys)

Gene: DHCR7 (7-dehydrocholesterol reductase; minus strand). Cytogenetic location: 11q13.4.
Variant type: single nucleotide variant.
Coding change: c.546G>T on transcript NM_001360.3 (MANE Select); coding-DNA position 546, G replaced by T.
Protein change: p.Trp182Cys; replaces tryptophan 182 with cysteine.
Molecular consequence: missense variant.
Genome position (GRCh38, 1-based): chr11:71,441,307, C>A on the plus strand (G>T on the coding strand, the complement: DHCR7 is on the minus strand). VCF-style: chr11-71441307-C-A. GRCh37 (hg19) VCF-style: chr11-71152353-C-A.
Other names: c.546G>T, p.Trp182Cys (NM_001163817.2); short protein forms W182C.
Identifiers: ClinVar variation 2034234 (VCV002034234.5), dbSNP rs1032242817, ClinGen allele CA381694454.
Genomic context (GRCh38, chr11:71,441,307, plus strand): 5'-GAAGAAGTAGCCCTTGACCATGGCGAAGGTGGAGACGGCATAGCCAAGGATGTTGGCGCA[C>A]CACAGCAGTGGGATCCAGTTGTCGAAGATGATGGTGGGCGAGAACCAGGACAGGAGATGA-3'
Protein context (NP_001351.2, residues 172-192): IIFDNWIPLL[Trp182Cys]CANILGYAVS